The following is an entry in ClinVar:

ClinVar aggregate classification (germline): Uncertain significance (1 of 4 stars; one submission).

gnomAD v4.1: 2 of 1,613,878 alleles (0.00012%); highest among the groups gnomAD compares: African/African-American, 0.0013%; no homozygotes.

Submission:

Ambry Genetics
Classification: Uncertain significance. Last evaluated: 2024-12-08. Review status: criteria provided, single submitter. Criteria: Ambry Variant Classification Scheme 2023. Collection method: clinical testing. Allele origin: germline.
Comment: The p.A93G variant (also known as c.278C>G), located in coding exon 3 of the RAD51B gene, results from a C to G substitution at nucleotide position 278. The alanine at codon 93 is replaced by glycine, an amino acid with similar properties. This amino acid position is conserved. In addition, the in silico prediction for this alteration is inconclusive. Based on the available evidence, the clinical significance of this variant remains unclear.

NM_133510.4(RAD51B):c.278C>G (p.Ala93Gly)

Gene: RAD51B (RAD51 paralog B; plus strand). Cytogenetic location: 14q24.1.
Variant type: single nucleotide variant.
Coding change: c.278C>G on transcript NM_133510.4 (MANE Select); coding-DNA position 278, C replaced by G.
Protein change: p.Ala93Gly; replaces alanine 93 with glycine.
Molecular consequence: missense variant. On other transcripts: 5 prime UTR variant (1).
Genome position (GRCh38, 1-based): chr14:67,835,159, C>G. VCF-style: chr14-67835159-C-G. GRCh37 (hg19) VCF-style: chr14-68301876-C-G.
Other names: c.278C>G, p.Ala93Gly (NM_001321809.2, NM_001321810.2, NM_001321812.1 and 6 more transcripts); c.164C>G, p.Ala55Gly (NM_001321815.1); c.-178C>G (NM_001321817.2); short protein forms A55G, A93G.
Identifiers: ClinVar variation 3429674 (VCV003429674.1).